The following is an entry in ClinVar:

NM_001017995.3(SH3PXD2B):c.1712C>T (p.Pro571Leu)

Gene: SH3PXD2B (SH3 and PX domains 2B; minus strand). Cytogenetic location: 5q35.1.
Variant type: single nucleotide variant.
Coding change: c.1712C>T on transcript NM_001017995.3 (MANE Select); coding-DNA position 1712, C replaced by T.
Protein change: p.Pro571Leu; replaces proline 571 with leucine.
Molecular consequence: missense variant. On other transcripts: intron variant (1).
Genome position (GRCh38, 1-based): chr5:172,339,393, G>A on the plus strand (C>T on the coding strand, the complement: SH3PXD2B is on the minus strand). VCF-style: chr5-172339393-G-A. GRCh37 (hg19) VCF-style: chr5-171766397-G-A.
Other names: c.1188+6743C>T (NM_001308175.2); short protein forms P571L.
Identifiers: ClinVar variation 352807 (VCV000352807.22), dbSNP rs111230322, ClinGen allele CA3561109.

ClinVar aggregate classification (germline): Benign/Likely benign. Review status: criteria provided, multiple submitters, no conflicts (2 of 4 stars). 6 submissions from 6 submitters: Benign (3); Likely benign (2). 1 of the submissions does not count toward it. Last evaluated 2026-02-01.

Conditions:
SH3PXD2B-related disorder. Also called: SH3PXD2B-related condition.
Frank-Ter Haar syndrome. Also called: TER HAAR SYNDROME; MELNICK-NEEDLES SYNDROME, AUTOSOMAL RECESSIVE; BORRONE DERMATOCARDIOSKELETAL SYNDROME; Borrone di Rocco Crovato syndrome. Identifiers: Orphanet 1266, Orphanet 137834, MedGen C1855305, MONDO:0009579, OMIM 249420.

Allele frequency attached by ClinVar (database versions not stated): ESP Exome Variant Server 0.02038; 1000 Genomes Project 0.01697; gnomAD 0.01746 and 0.01893; 1000 Genomes Project 30x 0.01765; TOPMed 0.01974.
gnomAD v4.1: 5,285 of 1,614,204 alleles (0.33%); highest among the groups gnomAD compares: African/African-American, 6.3%; 162 homozygotes.

Submissions (6):

Labcorp Genetics (formerly Invitae), Labcorp
Classification: Benign. Last evaluated: 2026-02-01. Review status: criteria provided, single submitter. Criteria: Invitae Variant Classification Sherloc (09022015). Collection method: clinical testing. Allele origin: germline.

GeneDx
Classification: Benign. Last evaluated: 2018-11-10. Review status: criteria provided, single submitter. Criteria: GeneDx Variant Classification Process June 2021. Collection method: clinical testing. Allele origin: germline. Affected: yes.
Comment: This variant is associated with the following publications: (PMID: 22509100)

Illumina Laboratory Services, Illumina
Classification: Likely benign for Frank-Ter Haar syndrome. Last evaluated: 2017-04-27. Review status: criteria provided, single submitter. Criteria: ICSL Variant Classification Criteria 13 December 2019. Collection method: clinical testing. Allele origin: germline.
Comment: This variant was observed as part of a predisposition screen in an ostensibly healthy population. A literature search was performed for the gene, cDNA change, and amino acid change (where applicable). Publications were found based on this search. The evidence from the literature, in combination with allele frequency data from public databases where available, was sufficient to determine this variant is unlikely to cause disease. Therefore, this variant is classified as likely benign.

Eurofins Ntd Llc (ga)
Classification: Benign. Last evaluated: 2017-02-15. Review status: criteria provided, single submitter. Criteria: EGL Classification Definitions 2015. Collection method: clinical testing. Allele origin: germline. Observed: 1 variant allele, 1 heterozygote.

Breakthrough Genomics
Classification: Likely benign. Review status: criteria provided, single submitter. Criteria: ACMG Guidelines, 2015. Collection method: not provided. Allele origin: germline. Inheritance: Autosomal recessive inheritance. Affected: yes.

PreventionGenetics, part of Exact Sciences
Classification: Likely benign for SH3PXD2B-related condition. Last evaluated: 2019-06-19. Review status: no assertion criteria provided. Collection method: clinical testing. Allele origin: germline. Not counted in ClinVar's aggregate classification.
Comment: This variant is classified as likely benign based on ACMG/AMP sequence variant interpretation guidelines (Richards et al. 2015 PMID: 25741868, with internal and published modifications).

Literature cited by the submitters: PubMed 22509100 (cited by Illumina Laboratory Services, Illumina).